The following is an entry in ClinVar:

ClinVar aggregate classification (germline): Uncertain significance (1 of 4 stars; one submission).

Submission:

Labcorp Genetics (formerly Invitae), Labcorp
Classification: Uncertain significance. Last evaluated: 2025-10-08. Review status: criteria provided, single submitter. Criteria: Invitae Variant Classification Sherloc (09022015). Collection method: clinical testing. Allele origin: germline.
Comment: This sequence change replaces aspartic acid, which is acidic and polar, with asparagine, which is neutral and polar, at codon 353 of the GHSR protein (p.Asp353Asn). This variant is present in population databases (rs375773987, gnomAD 0.004%). This variant has not been reported in the literature in individuals affected with GHSR-related conditions. ClinVar contains an entry for this variant (Variation ID: 3716218). An algorithm developed to predict the effect of missense changes on protein structure and function (PolyPhen-2) suggests that this variant is likely to be tolerated. In summary, the available evidence is currently insufficient to determine the role of this variant in disease. Therefore, it has been classified as a Variant of Uncertain Significance.

NM_198407.2(GHSR):c.1057G>A (p.Asp353Asn)

Gene: GHSR (growth hormone secretagogue receptor; minus strand). Cytogenetic location: 3q26.31.
Variant type: single nucleotide variant.
Coding change: c.1057G>A on transcript NM_198407.2 (MANE Select); coding-DNA position 1057, G replaced by A.
Protein change: p.Asp353Asn; replaces aspartic acid 353 with asparagine.
Molecular consequence: missense variant.
Genome position (GRCh38, 1-based): chr3:172,445,205, C>T on the plus strand (G>A on the coding strand, the complement: GHSR is on the minus strand). VCF-style: chr3-172445205-C-T. GRCh37 (hg19) VCF-style: chr3-172162995-C-T.
Other names: short protein forms D353N.
Identifiers: ClinVar variation 3716218 (VCV003716218.2).